The following is an entry in ClinVar:

ClinVar aggregate classification (germline): Likely benign (1 of 4 stars; one submission).

Submission:

CeGaT Center for Human Genetics Tuebingen
Classification: Likely benign. Last evaluated: 2024-05-01. Review status: criteria provided, single submitter. Criteria: CeGaT Center For Human Genetics Tuebingen Variant Classification Criteria Version 2. Collection method: clinical testing. Allele origin: germline. Affected: yes. Observed: 1 variant allele.
Comment: CUL3: PM2:Supporting, BP4, BP7

NM_003590.5(CUL3):c.1155T>G (p.Pro385=)

Gene: CUL3 (cullin 3; minus strand). Cytogenetic location: 2q36.2.
Variant type: single nucleotide variant.
Coding change: c.1155T>G on transcript NM_003590.5 (MANE Select); coding-DNA position 1155, T replaced by G.
Protein change: p.Pro385=; no amino-acid change (proline 385 retained).
Molecular consequence: synonymous variant.
Genome position (GRCh38, 1-based): chr2:224,506,007, A>C on the plus strand (T>G on the coding strand, the complement: CUL3 is on the minus strand). VCF-style: chr2-224506007-A-C. GRCh37 (hg19) VCF-style: chr2-225370724-A-C.
Other names: c.957T>G, p.Pro319= (NM_001257197.2); c.1173T>G, p.Pro391= (NM_001257198.2).
Identifiers: ClinVar variation 3239404 (VCV003239404.19), dbSNP rs764581410.
Genomic context (GRCh38, chr2:224,506,007, plus strand): 5'-ACTACTTACCCCTTTGACTCCCTTTTTCAGCTTATCATCAATAAATAATGAGAGGTATTC[A>C]GGAGACCTGGAGTTGAGGTTGAGAAAATACTCAAAGTCACCCGCAATAGTTTGTTTAAAG-3'
Protein context (NP_003581.1, residues 375-395): EYFLNLNSRS[Pro385=]EYLSLFIDDK